The following is an entry in ClinVar:

ClinVar aggregate classification (germline): Likely benign. Review status: criteria provided, multiple submitters, no conflicts (2 of 4 stars). 3 submissions from 3 submitters: Likely benign (3). Last evaluated 2026-01-01.

Allele frequency attached by ClinVar (database versions not stated): 1000 Genomes Project 30x 0.00078; 1000 Genomes Project 0.00080; gnomAD 0.00123 and 0.00130; ExAC 0.00125; gnomAD exomes 0.00131 and 0.00153; TOPMed 0.00139; ESP Exome Variant Server 0.00177.
gnomAD v4.1: 2,420 of 1,613,728 alleles (0.15%); highest among the groups gnomAD compares: Admixed American, 0.17%; 4 homozygotes.

Submissions (3):

CeGaT Center for Human Genetics Tuebingen
Classification: Likely benign. Last evaluated: 2026-01-01. Review status: criteria provided, single submitter. Criteria: CeGaT Center For Human Genetics Tuebingen Variant Classification Criteria Version 2. Collection method: clinical testing. Allele origin: germline. Affected: yes. Observed: 3 variant alleles.
Comment: DDX11: BP4, BS2

Blueprint Genetics
Classification: Likely benign. Last evaluated: 2024-11-24. Review status: criteria provided, single submitter. Criteria: ACMG Guidelines, 2015. Collection method: clinical testing. Allele origin: germline.

Labcorp Genetics (formerly Invitae), Labcorp
Classification: Likely benign. Last evaluated: 2019-12-31. Review status: criteria provided, single submitter. Criteria: Invitae Variant Classification Sherloc (09022015). Collection method: clinical testing. Allele origin: germline.

NM_030653.4(DDX11):c.2271+4C>T

Gene: DDX11 (DEAD/H-box helicase 11; plus strand). Cytogenetic location: 12p11.21.
Variant type: single nucleotide variant.
Coding change: c.2271+4C>T on transcript NM_030653.4 (MANE Select); 4 bases into the intron after coding-DNA position 2271, C replaced by T.
Molecular consequence: intron variant.
Genome position (GRCh38, 1-based): chr12:31,102,315, C>T. VCF-style: chr12-31102315-C-T. GRCh37 (hg19) VCF-style: chr12-31255249-C-T.
Other names: c.2271+4C>T (NM_152438.2, NM_001257144.2); c.2121+4C>T (NM_004399.3); c.2193+4C>T (NM_001257145.2).
Identifiers: ClinVar variation 715030 (VCV000715030.29), dbSNP rs146923888, ClinGen allele CA6501716.
Genomic context (GRCh38, chr12:31,102,315, plus strand): 5'-CCTAAGAGCGCACACCAGGTGGAGCAGGTGCTGCTGGCATATTCCAGGTGCATCCAGGTG[C>T]GGGCGTCATGCTGGGCTTGGGTCTGAGATCGTGTGGGGGTGGCAGCTGGAAACGTTGTGG-3'